The following is an entry in ClinVar:

ClinVar aggregate classification (germline): Uncertain significance. Review status: criteria provided, multiple submitters, no conflicts (2 of 4 stars). 2 submissions from 2 submitters: Uncertain significance (2). Last evaluated 2024-06-04.

Conditions:
Pancreatic cancer, susceptibility to, 1. Identifiers: Orphanet 1333, MedGen C1847351, MONDO:0011739, OMIM 606856.

Allele frequency attached by ClinVar (database versions not stated): gnomAD exomes below 0.00001; ExAC 0.00002.
gnomAD v4.1: 6 of 1,614,152 alleles (0.00037%); highest among the groups gnomAD compares: Non-Finnish European, 0.00042%; no homozygotes.

Submissions (2):

Fulgent Genetics
Classification: Uncertain significance for Pancreatic cancer, susceptibility to, 1. Last evaluated: 2024-06-04. Review status: criteria provided, single submitter. Criteria: ACMG Guidelines, 2015. Collection method: clinical testing. Allele origin: germline.

Ambry Genetics
Classification: Uncertain significance. Last evaluated: 2023-07-12. Review status: criteria provided, single submitter. Criteria: Ambry Variant Classification Scheme 2023. Collection method: clinical testing. Allele origin: germline.
Comment: The p.T55K variant (also known as c.164C>A), located in coding exon 1 of the PALLD gene, results from a C to A substitution at nucleotide position 164. The threonine at codon 55 is replaced by lysine, an amino acid with similar properties. This amino acid position is conserved. In addition, this alteration is predicted to be tolerated by in silico analysis. Since supporting evidence is limited at this time, the clinical significance of this alteration remains unclear.

NM_001166108.2(PALLD):c.164C>A (p.Thr55Lys)

Gene: PALLD (palladin, cytoskeletal associated protein; plus strand). Cytogenetic location: 4q32.3.
Variant type: single nucleotide variant.
Coding change: c.164C>A on transcript NM_001166108.2 (MANE Select); coding-DNA position 164, C replaced by A.
Protein change: p.Thr55Lys; replaces threonine 55 with lysine.
Molecular consequence: missense variant.
Genome position (GRCh38, 1-based): chr4:168,511,668, C>A. VCF-style: chr4-168511668-C-A. GRCh37 (hg19) VCF-style: chr4-169432819-C-A.
Other names: c.164C>A, p.Thr55Lys (NM_016081.4); short protein forms T55K.
Identifiers: ClinVar variation 1777221 (VCV001777221.4), dbSNP rs1554032915, ClinGen allele CA3135306.